The following is an entry in ClinVar:

NM_001384732.1(CPLANE1):c.6512G>A (p.Arg2171Gln)

Gene: CPLANE1 (ciliogenesis and planar polarity effector complex subunit 1; minus strand). Cytogenetic location: 5p13.2.
Variant type: single nucleotide variant.
Coding change: c.6512G>A on transcript NM_001384732.1 (MANE Select); coding-DNA position 6512, G replaced by A.
Protein change: p.Arg2171Gln; replaces arginine 2171 with glutamine.
Molecular consequence: missense variant.
Genome position (GRCh38, 1-based): chr5:37,169,512, C>T on the plus strand (G>A on the coding strand, the complement: CPLANE1 is on the minus strand). VCF-style: chr5-37169512-C-T. GRCh37 (hg19) VCF-style: chr5-37169614-C-T.
Other names: c.6512G>A, p.Arg2171Gln (NM_023073.4); short protein forms R2171Q.
Identifiers: ClinVar variation 445989 (VCV000445989.15), dbSNP rs377742483, ClinGen allele CA3238229.

ClinVar aggregate classification (germline): Conflicting classifications of pathogenicity. Review status: criteria provided, conflicting classifications (1 of 4 stars). 5 submissions from 5 submitters: Uncertain significance (3); Likely benign (2). Last evaluated 2026-01-20.

Conditions:
Joubert syndrome 17 (JBTS17). Identifiers: Orphanet 475, MedGen C3553264, MONDO:0013824, OMIM 614615.

Allele frequency attached by ClinVar (database versions not stated): gnomAD exomes 0.00008 and 0.00036; gnomAD 0.00009 and 0.00013; TOPMed 0.00011; ExAC 0.00034; 1000 Genomes Project 30x 0.00062; 1000 Genomes Project 0.00080.
gnomAD v4.1: 140 of 1,613,442 alleles (0.0087%); highest among the groups gnomAD compares: East Asian, 0.23%; no homozygotes.

Submissions (5):

Labcorp Genetics (formerly Invitae), Labcorp
Classification: Likely benign. Last evaluated: 2026-01-20. Review status: criteria provided, single submitter. Criteria: Invitae Variant Classification Sherloc (09022015). Collection method: clinical testing. Allele origin: germline.

Blueprint Genetics
Classification: Likely benign. Last evaluated: 2024-02-12. Review status: criteria provided, single submitter. Criteria: ACMG Guidelines, 2015. Collection method: clinical testing. Allele origin: germline.

Women's Health and Genetics/Laboratory Corporation of America, LabCorp
Classification: Uncertain significance. Last evaluated: 2020-03-10. Review status: criteria provided, single submitter. Criteria: LabCorp Variant Classification Summary - May 2015. Collection method: clinical testing. Allele origin: germline.
Comment: Variant summary: CPLANE1 c.6512G>A (p.Arg2171Gln) results in a conservative amino acid change in the encoded protein sequence. Four of four in-silico tools predict a benign effect of the variant on protein function. The variant allele was found at a frequency of 0.00034 in 281202 control chromosomes. The available data on variant occurrences in the general population are insufficient to allow any conclusion about variant significance. To our knowledge, no occurrence of c.6512G>A in individuals affected with Joubert syndrome and related disorders and no experimental evidence demonstrating its impact on protein function have been reported. One clinical diagnostic laboratory has submitted clinical-significance assessments for this variant to ClinVar after 2014 without evidence for independent evaluation and classified the variant as uncertain significance. Based on the evidence outlined above, the variant was classified as uncertain significance.

Baylor Genetics
Classification: Uncertain significance for Joubert syndrome 17. Last evaluated: 2018-03-01. Review status: criteria provided, single submitter. Criteria: ACMG Guidelines, 2015. Collection method: clinical testing. Allele origin: maternal. Affected: yes.
Comment: This variant was determined to be of uncertain significance according to ACMG Guidelines, 2015 [PMID:25741868].

Center for Pediatric Genomic Medicine, Children's Mercy Hospital and Clinics
Classification: Uncertain significance. Last evaluated: 2017-06-02. Review status: criteria provided, single submitter. Criteria: ACMG Guidelines, 2015. Collection method: clinical testing. Allele origin: germline.